The following is an entry in ClinVar:

ClinVar aggregate classification (germline): Uncertain significance. Review status: criteria provided, multiple submitters, no conflicts (2 of 4 stars). 2 submissions from 2 submitters: Uncertain significance (2). Last evaluated 2025-08-30.

Conditions:
Emery-Dreifuss muscular dystrophy 5, autosomal dominant (EDMD5). Also called: EMERY-DREIFUSS MUSCULAR DYSTROPHY 5. Identifiers: Orphanet 261, MedGen C2751805, MONDO:0013072, OMIM 612999.

Allele frequency attached by ClinVar (database versions not stated): gnomAD exomes 0.00002 and 0.00004; ExAC 0.00007; TOPMed 0.00008; gnomAD 0.00011 and 0.00015; 1000 Genomes Project 30x 0.00109; 1000 Genomes Project 0.00120.
gnomAD v4.1: 49 of 1,614,100 alleles (0.003%); highest among the groups gnomAD compares: African/African-American, 0.053%; no homozygotes.

Submissions (2):

Labcorp Genetics (formerly Invitae), Labcorp
Classification: Uncertain significance for Emery-Dreifuss muscular dystrophy 5, autosomal dominant. Last evaluated: 2025-08-30. Review status: criteria provided, single submitter. Criteria: Invitae Variant Classification Sherloc (09022015). Collection method: clinical testing. Allele origin: germline.
Comment: This sequence change replaces alanine, which is neutral and non-polar, with valine, which is neutral and non-polar, at codon 5240 of the SYNE2 protein (p.Ala5240Val). This variant is present in population databases (rs140863307, gnomAD 0.07%), and has an allele count higher than expected for a pathogenic variant. This variant has not been reported in the literature in individuals affected with SYNE2-related conditions. ClinVar contains an entry for this variant (Variation ID: 1506307). An algorithm developed to predict the effect of missense changes on protein structure and function (PolyPhen-2) suggests that this variant is likely to be tolerated. In summary, the available evidence is currently insufficient to determine the role of this variant in disease. Therefore, it has been classified as a Variant of Uncertain Significance.

Fulgent Genetics
Classification: Uncertain significance for Emery-Dreifuss muscular dystrophy 5, autosomal dominant. Last evaluated: 2024-05-24. Review status: criteria provided, single submitter. Criteria: ACMG Guidelines, 2015. Collection method: clinical testing. Allele origin: germline.

NM_182914.3(SYNE2):c.15719C>T (p.Ala5240Val)

Gene: SYNE2 (spectrin repeat containing nuclear envelope protein 2; plus strand). Cytogenetic location: 14q23.2.
Variant type: single nucleotide variant.
Coding change: c.15719C>T on transcript NM_182914.3 (MANE Select); coding-DNA position 15719, C replaced by T.
Protein change: p.Ala5240Val; replaces alanine 5240 with valine.
Molecular consequence: missense variant.
Genome position (GRCh38, 1-based): chr14:64,152,643, C>T. VCF-style: chr14-64152643-C-T. GRCh37 (hg19) VCF-style: chr14-64619361-C-T.
Other names: c.15719C>T, p.Ala5240Val (NM_015180.6); short protein forms A5240V.
Identifiers: ClinVar variation 1506307 (VCV001506307.7), dbSNP rs140863307, ClinGen allele CA7223169.